The following is an entry in ClinVar:

NM_000135.4(FANCA):c.4081T>A (p.Tyr1361Asn)

Genes: FANCA (FA complementation group A; minus strand), ZNF276 (zinc finger protein 276; plus strand). Cytogenetic location: 16q24.3.
Variant type: single nucleotide variant.
Coding change: c.4081T>A on transcript NM_000135.4 (MANE Select); coding-DNA position 4081, T replaced by A.
Protein change: p.Tyr1361Asn; replaces tyrosine 1361 with asparagine.
Molecular consequence: missense variant. On other transcripts: 3 prime UTR variant (2), non-coding transcript variant (4).
Genome position (GRCh38, 1-based): chr16:89,739,219, A>T on the plus strand (T>A on the coding strand, the complement: FANCA is on the minus strand). VCF-style: chr16-89739219-A-T. GRCh37 (hg19) VCF-style: chr16-89805627-A-T.
Other names: c.4081T>A, p.Tyr1361Asn (NM_001286167.3); c.*973A>T (NM_001113525.2, NM_152287.4); short protein forms Y1361N.
Identifiers: ClinVar variation 4022368 (VCV004022368.1).

ClinVar aggregate classification (germline): Uncertain significance (1 of 4 stars; one submission).

Conditions:
Inborn genetic diseases. Identifiers: MedGen C0950123, MeSH D030342.

Submission:

Ambry Genetics
Classification: Uncertain significance for Inborn genetic diseases. Last evaluated: 2025-06-12. Review status: criteria provided, single submitter. Criteria: Ambry Variant Classification Scheme 2023. Collection method: clinical testing. Allele origin: germline.
Comment: The p.Y1361N variant (also known as c.4081T>A), located in coding exon 41 of the FANCA gene, results from a T to A substitution at nucleotide position 4081. The tyrosine at codon 1361 is replaced by asparagine, an amino acid with dissimilar properties. This amino acid position is conserved. In addition, this alteration is predicted to be deleterious by in silico analysis. Based on the available evidence, the clinical significance of this variant remains unclear.